The following is an entry in ClinVar:

ClinVar aggregate classification (germline): Uncertain significance. Review status: criteria provided, multiple submitters, no conflicts (2 of 4 stars). 2 submissions from 2 submitters: Uncertain significance (2). Last evaluated 2024-11-08.

Conditions:
Inborn genetic diseases. Identifiers: MedGen C0950123, MeSH D030342.

Allele frequency attached by ClinVar (database versions not stated): gnomAD 0.00001; gnomAD exomes 0.00001 and 0.00002; TOPMed 0.00001; ExAC 0.00002; 1000 Genomes Project 30x 0.00016; 1000 Genomes Project 0.00020.
gnomAD v4.1: 22 of 1,614,116 alleles (0.0014%); highest among the groups gnomAD compares: Middle Eastern, 0.016%; no homozygotes.

Submissions (2):

Ambry Genetics
Classification: Uncertain significance for Inborn genetic diseases. Last evaluated: 2024-11-08. Review status: criteria provided, single submitter. Criteria: Ambry Variant Classification Scheme 2023. Collection method: clinical testing. Allele origin: germline.

Labcorp Genetics (formerly Invitae), Labcorp
Classification: Uncertain significance. Last evaluated: 2022-09-04. Review status: criteria provided, single submitter. Criteria: Invitae Variant Classification Sherloc (09022015). Collection method: clinical testing. Allele origin: germline.
Comment: This sequence change replaces threonine, which is neutral and polar, with methionine, which is neutral and non-polar, at codon 641 of the RGS9 protein (p.Thr641Met). This variant is present in population databases (rs201938939, gnomAD 0.006%). This variant has not been reported in the literature in individuals affected with RGS9-related conditions. ClinVar contains an entry for this variant (Variation ID: 1478117). Algorithms developed to predict the effect of missense changes on protein structure and function output the following: SIFT: "Tolerated"; PolyPhen-2: "Benign"; Align-GVGD: "Class C0". The methionine amino acid residue is found in multiple mammalian species, which suggests that this missense change does not adversely affect protein function. In summary, the available evidence is currently insufficient to determine the role of this variant in disease. Therefore, it has been classified as a Variant of Uncertain Significance.

NM_003835.4(RGS9):c.1922C>T (p.Thr641Met)

Gene: RGS9 (regulator of G protein signaling 9; plus strand). Cytogenetic location: 17q24.1.
Variant type: single nucleotide variant.
Coding change: c.1922C>T on transcript NM_003835.4 (MANE Select); coding-DNA position 1922, C replaced by T.
Protein change: p.Thr641Met; replaces threonine 641 with methionine.
Molecular consequence: missense variant.
Genome position (GRCh38, 1-based): chr17:65,227,304, C>T. VCF-style: chr17-65227304-C-T. GRCh37 (hg19) VCF-style: chr17-63223422-C-T.
Other names: c.1913C>T, p.Thr638Met (NM_001081955.3); c.1922C>T (NM_003835.3); short protein forms T638M, T641M.
Identifiers: ClinVar variation 1478117 (VCV001478117.6), dbSNP rs201938939, ClinGen allele CA8718207.
Genomic context (GRCh38, chr17:65,227,304, plus strand): 5'-TACATTACTGGCTTTCCTCTTGCACCTGAAGCTTTTTCCAGATCAAAATGGATGTGCCCA[C>T]GGGGAGCGGGACCTGCTTGATGGACTCGGAGGATGCTGGAACAGGAGAGTCGGGTGACCG-3'
Protein context (NP_003826.2, residues 631-651): NFFQIKMDVP[Thr641Met]GSGTCLMDSE